The following is an entry in ClinVar:

ClinVar aggregate classification (germline): Pathogenic (1 of 4 stars; one submission).

Conditions:
Duchenne muscular dystrophy (DMD). Also called: Duchenne Muscular Dystrophy (DMD); MUSCULAR DYSTROPHY, PSEUDOHYPERTROPHIC PROGRESSIVE, DUCHENNE TYPE. Identifiers: Orphanet 98896, MedGen C0013264, MONDO:0010679, OMIM 310200.

Submission:

Broad Center for Mendelian Genomics, Broad Institute of MIT and Harvard
Classification: Pathogenic for Duchenne muscular dystrophy. Last evaluated: 2023-08-24. Review status: criteria provided, single submitter. Criteria: ACMG/ClinGen CNV Guidelines, 2019. Collection method: research. Allele origin: unknown. Inheritance: X-linked inheritance. Affected: yes.
Comment: Inheritance information is unavailable. The patient phenotype is nonspecific, but is consistent with cases described in the literature and/or published databases with overlapping variants. This exon deletion has also been reported in the literature in at least 2 hemizygous individuals with Duchenne muscular dystrophy (PMID: 31661024, 14977063). This intragenic variant is predicted to cause a frameshift, which alters the protein’s amino acid sequence beginning at exon 8 and leads to a premature termination codon. This alteration is then predicted to lead to a truncated or absent protein. Loss of function of DMD is an established disease mechanism in X-linked Duchenne muscular dystrophy. In summary, this variant meets criteria to be classified as pathogenic for X-linked Duchenne muscular dystrophy. The ACMG/ClinGen evidence codes and points used in this curation are as follows: 1: 0 points, 2: 0.90 points, 3: 0 points, 4-5: 0.45 points; Total: 1.35 points; Riggs 2020 (PMID: 31690835).

Literature cited by the submitters: PubMed 32528171; PubMed 31661024; PubMed 14977063.

GRCh38/hg38 Xp21.1(chrX:32536377-32771300)x0

Genes: DMD (dystrophin; minus strand), MIR3915 (microRNA 3915; minus strand), MIR548F5 (microRNA 548f-5; minus strand). Cytogenetic location: Xp21.1.
Variant type: copy number loss.
Change: copy number 0 of chrX:32,536,377-32,771,300 (234.9 kb, GRCh38 coordinates, 1-based), cytogenetic band Xp21.1.
Identifiers: ClinVar variation 2579217 (VCV002579217.1).